The following is an entry in ClinVar:

NM_022356.4(P3H1):c.1345G>C (p.Gly449Arg)

Gene: P3H1 (prolyl 3-hydroxylase 1; minus strand). Cytogenetic location: 1p34.2.
Variant type: single nucleotide variant.
Coding change: c.1345G>C on transcript NM_022356.4 (MANE Select); coding-DNA position 1345, G replaced by C.
Protein change: p.Gly449Arg; replaces glycine 449 with arginine.
Molecular consequence: missense variant.
Genome position (GRCh38, 1-based): chr1:42,754,869, C>G on the plus strand (G>C on the coding strand, the complement: P3H1 is on the minus strand). VCF-style: chr1-42754869-C-G. GRCh37 (hg19) VCF-style: chr1-43220540-C-G.
Other names: c.1345G>C, p.Gly449Arg (NM_001146289.2, NM_001243246.2); short protein forms G449R.
Identifiers: ClinVar variation 3895761 (VCV003895761.1).

ClinVar aggregate classification (germline): Likely pathogenic (1 of 4 stars; one submission).

Conditions:
Osteogenesis imperfecta (OI). Identifiers: Orphanet 666, MedGen C0029434, MeSH D010013, MONDO:0019019.

Submission:

Women's Health and Genetics/Laboratory Corporation of America, LabCorp
Classification: Likely pathogenic for Osteogenesis imperfecta. Last evaluated: 2025-03-10. Review status: criteria provided, single submitter. Criteria: LabCorp Variant Classification Summary - May 2015. Collection method: clinical testing. Allele origin: germline.
Comment: Variant summary: P3H1 c.1345G>C (p.Gly449Arg) results in a non-conservative amino acid change in the encoded protein sequence. Four of five in-silico tools predict a damaging effect of the variant on protein function. Several computational tools predict a significant impact on normal splicing: Four predict the variant weakens a 5' donor site. At least one publication reports experimental evidence that this variant affects mRNA splicing (Pepin_2013). The variant was absent in 251456 control chromosomes. c.1345G>C has been reported in the literature in an homozygous individual affected with Osteogenesis Imperfecta (Pepin_2013). These data indicate that the variant is likely to be associated with disease. The following publication have been ascertained in the context of this evaluation (PMID: 24498616). No submitters have cited clinical-significance assessments for this variant to ClinVar. Based on the evidence outlined above, the variant was classified as likely pathogenic.

Literature cited by the submitters: PubMed 24498616.